The following is an entry in ClinVar:

ClinVar aggregate classification (germline): Uncertain significance. Review status: criteria provided, multiple submitters, no conflicts (2 of 4 stars). 3 submissions from 3 submitters: Uncertain significance (2). 1 of the submissions does not count toward it. Last evaluated 2022-04-07.

Conditions:
Brain small vessel disease 1 with or without ocular anomalies (BSVD1). Also called: PORENCEPHALY, TYPE 1, AUTOSOMAL DOMINANT; Brain small vessel disease with or without ocular anomalies; GOULD SYNDROME 1; BRAIN SMALL VESSEL DISEASE WITH HEMORRHAGE. Identifiers: Orphanet 2940, Orphanet 36383, Orphanet 99810, MedGen C4755307, MONDO:0008289, OMIM 175780.
Retinal arterial tortuosity. Also called: RETINAL HEMORRHAGE WITH VASCULAR TORTUOSITY; Retinal arteries, tortuosity of. Identifiers: Orphanet 75326, MedGen C0423401, MONDO:0008373, OMIM 180000, HP:0000631.
Autosomal dominant familial hematuria-retinal arteriolar tortuosity-contractures syndrome. Also called: Angiopathy, hereditary, with nephropathy, aneurysms, and muscle cramps; Hereditary Angiopathy with Nephropathy, Aneurysms, and Muscle Cramps (HANAC) Syndrome. Identifiers: Orphanet 73229, MedGen C2673195, MONDO:0012726, OMIM 611773.
Microangiopathy and leukoencephalopathy, pontine, autosomal dominant. Also called: Pontine autosomal dominant microangiopathy with leukoencephalopathy; DEMENTIA, HEREDITARY MULTI-INFARCT, SWEDISH TYPE. Identifiers: Orphanet 477749, MedGen C5231411, MONDO:0032814, OMIM 618564.
Hemorrhage, intracerebral, susceptibility to (ICH). Also called: Stroke, hemorrhagic, susceptibility to. Identifiers: MedGen C3281105, MONDO:0100533, OMIM 614519.
Microcephaly. Also called: Microcephaly (disease). Identifiers: MedGen C4551563, MONDO:0001149, HP:0000252.

Allele frequency attached by ClinVar (database versions not stated): ExAC 0.00001; gnomAD 0.00001; gnomAD exomes 0.00002.
gnomAD v4.1: 7 of 1,614,006 alleles (0.00043%); highest among the groups gnomAD compares: East Asian, 0.0067%; no homozygotes.

Submissions (3):

Fulgent Genetics
Classification: Uncertain significance for Brain small vessel disease 1 with or without ocular anomalies; Retinal arterial tortuosity; Autosomal dominant familial hematuria-retinal arteriolar tortuosity-contractures syndrome; Hemorrhage, intracerebral, susceptibility to; Microangiopathy and leukoencephalopathy, pontine, autosomal dominant. Last evaluated: 2022-04-07. Review status: criteria provided, single submitter. Criteria: ACMG Guidelines, 2015. Collection method: clinical testing. Allele origin: unknown.

Johns Hopkins Genomics, Johns Hopkins University
Classification: Uncertain significance for Autosomal dominant familial hematuria-retinal arteriolar tortuosity-contractures syndrome. Last evaluated: 2020-09-03. Review status: criteria provided, single submitter. Criteria: ACMG Guidelines, 2015. Collection method: clinical testing. Allele origin: germline.
Comment: This COL4A1 variant (rs747214508) is rare (<0.1%) in a large population dataset (gnomAD: 4/250542 total alleles; 0.002%; no homozygotes) and has not been reported in ClinVar nor the literature, to our knowledge. Of three bioinformatics tools queried, two predict that the substitution would be damaging, while one predicts that it would be tolerated. the proline residue at this position is highly evolutionarily conserved across most species assessed. We consider the clinical significance of c.1453C>G to be uncertain at this time.

Department of Pediatrics, Samsung Medical Center, Samsung Medical Center
Classification: Uncertain significance for Microcephaly. Review status: no assertion criteria provided. Criteria: ACMG Guidelines, 2015. Collection method: research. Allele origin: germline. Affected: yes. Not counted in ClinVar's aggregate classification.

NM_001845.6(COL4A1):c.1453C>G (p.Pro485Ala)

Gene: COL4A1 (collagen type IV alpha 1 chain; minus strand). Cytogenetic location: 13q34.
Variant type: single nucleotide variant.
Coding change: c.1453C>G on transcript NM_001845.6 (MANE Select); coding-DNA position 1453, C replaced by G.
Protein change: p.Pro485Ala; replaces proline 485 with alanine.
Molecular consequence: missense variant.
Genome position (GRCh38, 1-based): chr13:110,192,842, G>C on the plus strand (C>G on the coding strand, the complement: COL4A1 is on the minus strand). VCF-style: chr13-110192842-G-C. GRCh37 (hg19) VCF-style: chr13-110845189-G-C.
Other names: c.1453C>G, p.Pro485Ala (NM_001303110.2); short protein forms P485A.
Identifiers: ClinVar variation 813669 (VCV000813669.3), dbSNP rs747214508, ClinGen allele CA7047933.